The following is an entry in ClinVar:

NM_000523.4(HOXD13):c.168GGC[6] (p.Ala71dup)

Gene: HOXD13 (homeobox D13; plus strand). Cytogenetic location: 2q31.1.
Variant type: Microsatellite.
Coding change: c.168GGC[6] on transcript NM_000523.4 (MANE Select); six copies in a row of the 3-base unit GGC starting at c.168; the reference has five copies in a row; one copy, 3 bases duplicated; also written c.180_182dup.
Protein change: p.Ala71dup; duplicates alanine 71.
Molecular consequence: inframe insertion.
Genome position (GRCh38, 1-based): chr2:176,093,070-176,093,072, GGC duplicated; duplicating any 3 consecutive bases within chr2:176,093,058-176,093,072 gives the same sequence; the position shown is the placement nearest the transcript's 3' end. VCF-style (leftmost placement, unchanged base first): chr2-176093057-G-GGGC. GRCh37 (hg19) VCF-style: chr2-176957785-G-GGGC.
Other names: c.180_182dup (NM_000523.4).
Identifiers: ClinVar variation 1338819 (VCV001338819.3), dbSNP rs3832095, ClinGen allele CA60845657.

ClinVar aggregate classification (germline): Conflicting classifications of pathogenicity. Review status: criteria provided, conflicting classifications (1 of 4 stars). 2 submissions from 2 submitters: Uncertain significance (1); Likely benign (1). Last evaluated 2024-10-25.

Conditions:
Brachydactyly-syndactyly syndrome (BDSD). Identifiers: Orphanet 93409, MedGen C1853137, MONDO:0012544, OMIM 610713.

Submissions (2):

Labcorp Genetics (formerly Invitae), Labcorp
Classification: Uncertain significance. Last evaluated: 2024-10-25. Review status: criteria provided, single submitter. Criteria: Invitae Variant Classification Sherloc (09022015). Collection method: clinical testing. Allele origin: germline.
Comment: This variant, c.180_182dup, results in the insertion of 1 amino acid(s) of the HOXD13 protein (p.Ala71dup), but otherwise preserves the integrity of the reading frame. The frequency data for this variant in the population databases is considered unreliable, as metrics indicate poor data quality at this position in the gnomAD database. This variant has not been reported in the literature in individuals affected with HOXD13-related conditions. In summary, the available evidence is currently insufficient to determine the role of this variant in disease. Therefore, it has been classified as a Variant of Uncertain Significance.

Daryl Scott Lab, Baylor College of Medicine
Classification: Likely benign for Brachydactyly-syndactyly syndrome. Last evaluated: 2022-01-27. Review status: criteria provided, single submitter. Criteria: ACMG Guidelines, 2015. Collection method: clinical testing. Allele origin: maternal. Observed: 1 variant allele, 1 heterozygote.

Literature cited by the submitters: PubMed 35904974 (cited by Daryl Scott Lab, Baylor College of Medicine).